The following is an entry in ClinVar:

NM_006030.4(CACNA2D2):c.1795G>A (p.Gly599Ser)

Gene: CACNA2D2 (calcium voltage-gated channel auxiliary subunit alpha2delta 2; minus strand). Cytogenetic location: 3p21.31.
Variant type: single nucleotide variant.
Coding change: c.1795G>A on transcript NM_006030.4 (MANE Select); coding-DNA position 1795, G replaced by A.
Protein change: p.Gly599Ser; replaces glycine 599 with serine.
Molecular consequence: missense variant.
Genome position (GRCh38, 1-based): chr3:50,375,859, C>T on the plus strand (G>A on the coding strand, the complement: CACNA2D2 is on the minus strand). VCF-style: chr3-50375859-C-T. GRCh37 (hg19) VCF-style: chr3-50413290-C-T.
Other names: c.1795G>A, p.Gly599Ser (NM_001005505.3, NM_001174051.3); c.1588G>A, p.Gly530Ser (NM_001291101.1); short protein forms G530S, G599S.
Identifiers: ClinVar variation 659954 (VCV000659954.4), dbSNP rs148970948, ClinGen allele CA2418724.

ClinVar aggregate classification (germline): Uncertain significance (1 of 4 stars; one submission).

Conditions:
Developmental and epileptic encephalopathy. Identifiers: MedGen C5779964, MONDO:0100620.

Allele frequency attached by ClinVar (database versions not stated): gnomAD 0.00002 and 0.00006; TOPMed 0.00002; gnomAD exomes 0.00004 and 0.00006; ExAC 0.00006; ESP Exome Variant Server 0.00015; 1000 Genomes Project 30x 0.00016; 1000 Genomes Project 0.00020.
gnomAD v4.1: 59 of 1,613,048 alleles (0.0037%); highest among the groups gnomAD compares: East Asian, 0.058%; no homozygotes.

Submission:

Labcorp Genetics (formerly Invitae), Labcorp
Classification: Uncertain significance for Early-infantile DEE. Last evaluated: 2022-06-14. Review status: criteria provided, single submitter. Criteria: Invitae Variant Classification Sherloc (09022015). Collection method: clinical testing. Allele origin: germline.
Comment: This sequence change replaces glycine, which is neutral and non-polar, with serine, which is neutral and polar, at codon 599 of the CACNA2D2 protein (p.Gly599Ser). This variant is present in population databases (rs148970948, gnomAD 0.05%). This variant has not been reported in the literature in individuals affected with CACNA2D2-related conditions. ClinVar contains an entry for this variant (Variation ID: 659954). Algorithms developed to predict the effect of missense changes on protein structure and function are either unavailable or do not agree on the potential impact of this missense change (SIFT: "Deleterious"; PolyPhen-2: "Probably Damaging"; Align-GVGD: "Class C0"). In summary, the available evidence is currently insufficient to determine the role of this variant in disease. Therefore, it has been classified as a Variant of Uncertain Significance.